The following is an entry in ClinVar:

ClinVar aggregate classification (germline): Conflicting classifications of pathogenicity. Review status: criteria provided, conflicting classifications (1 of 4 stars). 2 submissions from 2 submitters: Likely pathogenic (1); Uncertain significance (1). Last evaluated 2026-07-01.

Conditions:
Glycogen storage disease, type II (IOPD). Also called: CARDIOMEGALIA GLYCOGENICA DIFFUSA; Glycogen storage disease type 2; Acid maltase deficiency disease; Aglucosidase alfa; Deficiency of alpha-glucosidase; Deficiency of lysosomal alpha-glucosidase. Identifiers: Orphanet 365, MedGen C0017921, MONDO:0009290, OMIM 232300.

Allele frequency attached by ClinVar (database versions not stated): gnomAD 0.00001.
gnomAD v4.1: 1 of 1,613,836 alleles (0.000062%); highest among the groups gnomAD compares: Admixed American, 0.0017%; no homozygotes.

Submissions (2):

Genomenon, Inc
Classification: Likely pathogenic for Glycogen storage disease, type II. Last evaluated: 2026-07-01. Review status: criteria provided, single submitter. Criteria: Genomenon Sequence Variant Interpretation Standards - Updated. Collection method: curation. Allele origin: germline. Affected: yes.
Comment: GAA p.Gly483Val (c.1448G>T) is a missense variant that changes the amino acid at codon 483 from Glycine to Valine. This variant has been observed in at least one proband with a GAA-related disorder in the compound heterozygous and/or homozygous state (PMID:33972680;31193175;31086307). At least one functional study has demonstrated a substantial alteration in protein function relative to the wild-type (PMID:22644586). It is absent or not present at a significant frequency in gnomAD. In silico models predict that this variant is possibly or probably damaging. In conclusion, we classify GAA p.Gly483Val (c.1448G>T) as a likely pathogenic variant.

Illumina Laboratory Services, Illumina
Classification: Uncertain significance for Glycogen storage disease, type II. Last evaluated: 2017-04-27. Review status: criteria provided, single submitter. Criteria: ICSL Variant Classification Criteria 13 December 2019. Collection method: clinical testing. Allele origin: germline.
Comment: This variant was observed as part of a predisposition screen in an ostensibly healthy population. A literature search was performed for the gene, cDNA change, and amino acid change (where applicable). Publications were found based on this search. However, the evidence from the literature, in combination with allele frequency data from public databases where available, was not sufficient to rule this variant in or out of causing disease. Therefore, this variant is classified as a variant of unknown significance.

Literature cited by the submitters: PubMed 33972680 (cited by Genomenon, Inc); PubMed 31193175 (cited by Genomenon, Inc); PubMed 31086307 (cited by Genomenon, Inc); PubMed 22644586 (cited by Genomenon, Inc and Illumina Laboratory Services, Illumina); PubMed 18425781 (cited by Illumina Laboratory Services, Illumina).

NM_000152.5(GAA):c.1448G>T (p.Gly483Val)

Gene: GAA (alpha glucosidase; plus strand). Cytogenetic location: 17q25.3.
Variant type: single nucleotide variant.
Coding change: c.1448G>T on transcript NM_000152.5 (MANE Select); coding-DNA position 1448, G replaced by T.
Protein change: p.Gly483Val; replaces glycine 483 with valine.
Molecular consequence: missense variant.
Genome position (GRCh38, 1-based): chr17:80,110,737, G>T. VCF-style: chr17-80110737-G-T. GRCh37 (hg19) VCF-style: chr17-78084536-G-T.
Other names: c.1448G>T, p.Gly483Val (NM_001079803.3, NM_001079804.3); short protein forms G483V.
Identifiers: ClinVar variation 889666 (VCV000889666.5), dbSNP rs2039213206, ClinGen allele CA401366807.